The following is an entry in ClinVar:

NM_005876.5(SPEG):c.2763G>T (p.Glu921Asp)

Gene: SPEG (striated muscle enriched protein kinase; plus strand). Cytogenetic location: 2q35.
Variant type: single nucleotide variant.
Coding change: c.2763G>T on transcript NM_005876.5 (MANE Select); coding-DNA position 2763, G replaced by T.
Protein change: p.Glu921Asp; replaces glutamic acid 921 with aspartic acid.
Molecular consequence: missense variant.
Genome position (GRCh38, 1-based): chr2:219,464,490, G>T. VCF-style: chr2-219464490-G-T. GRCh37 (hg19) VCF-style: chr2-220329212-G-T.
Other names: c.2763G>T (NM_005876.4); c.216G>T, p.Glu72Asp (NM_001173476.2); short protein forms E72D, E921D.
Identifiers: ClinVar variation 1485125 (VCV001485125.9), dbSNP rs956843160, ClinGen allele CA66015689.
Genomic context (GRCh38, chr2:219,464,490, plus strand): 5'-CAGGCTGAGAAACCGCCAGCCCGTGCGCCCAGACCAGCGGCGCTTTGCGGAGGAGGCTGA[G>T]GGTGGGCTGTGCCGGCTGCGGATCCTGGCTGCAGAGCGTGGCGATGCTGGTTTCTACACT-3'
Protein context (NP_005867.3, residues 911-931): PDQRRFAEEA[Glu921Asp]GGLCRLRILA

ClinVar aggregate classification (germline): Uncertain significance. Review status: criteria provided, multiple submitters, no conflicts (2 of 4 stars). 3 submissions from 3 submitters: Uncertain significance (3). Last evaluated 2026-01-19.

Conditions:
Myopathy, centronuclear, 5 (CNM5). Identifiers: Orphanet 169186, MedGen C4014814, MONDO:0014418, OMIM 615959.
Inborn genetic diseases. Identifiers: MedGen C0950123, MeSH D030342.

Allele frequency attached by ClinVar (database versions not stated): gnomAD 0.00001; TOPMed 0.00001; gnomAD exomes 0.00002.
gnomAD v4.1: 33 of 1,613,870 alleles (0.002%); highest among the groups gnomAD compares: Non-Finnish European, 0.0028%; no homozygotes.

Submissions (3):

Labcorp Genetics (formerly Invitae), Labcorp
Classification: Uncertain significance. Last evaluated: 2026-01-19. Review status: criteria provided, single submitter. Criteria: Invitae Variant Classification Sherloc (09022015). Collection method: clinical testing. Allele origin: germline.
Comment: This sequence change replaces glutamic acid, which is acidic and polar, with aspartic acid, which is acidic and polar, at codon 921 of the SPEG protein (p.Glu921Asp). This variant is not present in population databases (gnomAD no frequency). This variant has not been reported in the literature in individuals affected with SPEG-related conditions. ClinVar contains an entry for this variant (Variation ID: 1485125). An algorithm developed to predict the effect of missense changes on protein structure and function (PolyPhen-2) suggests that this variant is likely to be disruptive. In summary, the available evidence is currently insufficient to determine the role of this variant in disease. Therefore, it has been classified as a Variant of Uncertain Significance.

Ambry Genetics
Classification: Uncertain significance for Inborn genetic diseases. Last evaluated: 2025-03-22. Review status: criteria provided, single submitter. Criteria: Ambry Variant Classification Scheme 2023. Collection method: clinical testing. Allele origin: germline.

Revvity Omics, Revvity
Classification: Uncertain significance for Myopathy, centronuclear, 5. Last evaluated: 2020-11-09. Review status: criteria provided, single submitter. Criteria: ACMG Guidelines, 2015. Collection method: clinical testing. Allele origin: germline.